The following is an entry in ClinVar:

NM_032816.5(CEP89):c.452G>A (p.Gly151Asp)

Gene: CEP89 (centrosomal protein 89; minus strand). Cytogenetic location: 19q13.11.
Variant type: single nucleotide variant.
Coding change: c.452G>A on transcript NM_032816.5 (MANE Select); coding-DNA position 452, G replaced by A.
Protein change: p.Gly151Asp; replaces glycine 151 with aspartic acid.
Molecular consequence: missense variant.
Genome position (GRCh38, 1-based): chr19:32,953,655, C>T on the plus strand (G>A on the coding strand, the complement: CEP89 is on the minus strand). VCF-style: chr19-32953655-C-T. GRCh37 (hg19) VCF-style: chr19-33444561-C-T.
Other names: short protein forms G151D.
Identifiers: ClinVar variation 2760418 (VCV002760418.3), dbSNP rs746138594, ClinGen allele CA405195386.

ClinVar aggregate classification (germline): Uncertain significance (1 of 4 stars; one submission).

Submission:

Labcorp Genetics (formerly Invitae), Labcorp
Classification: Uncertain significance. Last evaluated: 2023-09-26. Review status: criteria provided, single submitter. Criteria: Invitae Variant Classification Sherloc (09022015). Collection method: clinical testing. Allele origin: germline.
Comment: This sequence change replaces glycine, which is neutral and non-polar, with aspartic acid, which is acidic and polar, at codon 151 of the CEP89 protein (p.Gly151Asp). This variant is not present in population databases (gnomAD no frequency). This variant has not been reported in the literature in individuals affected with CEP89-related conditions. Algorithms developed to predict the effect of missense changes on protein structure and function output the following: SIFT: "Not Available"; PolyPhen-2: "Benign"; Align-GVGD: "Not Available". The aspartic acid amino acid residue is found in multiple mammalian species, which suggests that this missense change does not adversely affect protein function. In summary, the available evidence is currently insufficient to determine the role of this variant in disease. Therefore, it has been classified as a Variant of Uncertain Significance.